The following is an entry in ClinVar:

NM_002838.5(PTPRC):c.1598C>T (p.Ser533Leu)

Gene: PTPRC (protein tyrosine phosphatase receptor type C; plus strand). Cytogenetic location: 1q32.1.
Variant type: single nucleotide variant.
Coding change: c.1598C>T on transcript NM_002838.5 (MANE Select); coding-DNA position 1598, C replaced by T.
Protein change: p.Ser533Leu; replaces serine 533 with leucine.
Molecular consequence: missense variant.
Genome position (GRCh38, 1-based): chr1:198,718,241, C>T. VCF-style: chr1-198718241-C-T. GRCh37 (hg19) VCF-style: chr1-198687370-C-T.
Other names: c.1115C>T, p.Ser372Leu (NM_080921.4); c.1592C>T (NM_002838.3); short protein forms S372L, S533L.
Identifiers: ClinVar variation 1006019 (VCV001006019.4), dbSNP rs1333928530, ClinGen allele CA344039382.

ClinVar aggregate classification (germline): Uncertain significance. Review status: criteria provided, multiple submitters, no conflicts (2 of 4 stars). 2 submissions from 2 submitters: Uncertain significance (2). Last evaluated 2025-08-22.

Conditions:
Inborn genetic diseases. Identifiers: MedGen C0950123, MeSH D030342.
Immunodeficiency 104. Also called: Severe combined immunodeficiency, autosomal recessive, T cell-negative, B cell-positive, NK cell-positive; IMMUNODEFICIENCY 104, SEVERE COMBINED; SCID, AUTOSOMAL RECESSIVE, T CELL-NEGATIVE, B CELL-POSITIVE, NK CELL-POSITIVE; Severe Combined Immune Deficiency, Autosomal Recessive, TCell -Negative, B Cell-Positive, NK Cell-Positive, IL7R-Related. Identifiers: MedGen C5676890, MONDO:0012163, OMIM 608971.

Allele frequency attached by ClinVar (database versions not stated): gnomAD 0.00001; TOPMed 0.00003.
gnomAD v4.1: 27 of 1,613,892 alleles (0.0017%); highest among the groups gnomAD compares: Middle Eastern, 0.033%; no homozygotes.

Submissions (2):

Ambry Genetics
Classification: Uncertain significance for Inborn genetic diseases. Last evaluated: 2025-08-22. Review status: criteria provided, single submitter. Criteria: Ambry Variant Classification Scheme 2023. Collection method: clinical testing. Allele origin: germline.

Labcorp Genetics (formerly Invitae), Labcorp
Classification: Uncertain significance for Immunodeficiency 104. Last evaluated: 2024-10-16. Review status: criteria provided, single submitter. Criteria: Invitae Variant Classification Sherloc (09022015). Collection method: clinical testing. Allele origin: germline.
Comment: This sequence change replaces serine, which is neutral and polar, with leucine, which is neutral and non-polar, at codon 533 of the PTPRC protein (p.Ser533Leu). This variant is present in population databases (no rsID available, gnomAD 0.007%). This variant has not been reported in the literature in individuals affected with PTPRC-related conditions. ClinVar contains an entry for this variant (Variation ID: 1006019). An algorithm developed to predict the effect of missense changes on protein structure and function outputs the following: PolyPhen-2: "Benign". The leucine amino acid residue is found in multiple mammalian species, which suggests that this missense change does not adversely affect protein function. In summary, the available evidence is currently insufficient to determine the role of this variant in disease. Therefore, it has been classified as a Variant of Uncertain Significance.